The following is an entry in ClinVar:

ClinVar aggregate classification (germline): Uncertain significance (1 of 4 stars; one submission).

gnomAD v4.1: 1 of 1,568,770 alleles (0.000064%); no homozygotes.

Submission:

Greenwood Genetic Center Diagnostic Laboratories, Greenwood Genetic Center
Classification: Uncertain significance. Last evaluated: 2024-03-18. Review status: criteria provided, single submitter. Criteria: ACMG Guidelines, 2015. Collection method: clinical testing. Allele origin: germline. Affected: yes.
Comment: PM2

NM_001162501.2(TNRC6B):c.3141G>A (p.Lys1047=)

Gene: TNRC6B (trinucleotide repeat containing adaptor 6B; plus strand). Cytogenetic location: 22q13.1.
Variant type: single nucleotide variant.
Coding change: c.3141G>A on transcript NM_001162501.2 (MANE Select); coding-DNA position 3141, G replaced by A.
Protein change: p.Lys1047=; no amino-acid change (lysine 1047 retained).
Molecular consequence: synonymous variant.
Genome position (GRCh38, 1-based): chr22:40,273,600, G>A. VCF-style: chr22-40273600-G-A. GRCh37 (hg19) VCF-style: chr22-40669604-G-A.
Other names: c.900G>A, p.Lys300= (NM_001024843.2); c.2982G>A, p.Lys994= (NM_015088.3).
Identifiers: ClinVar variation 3235798 (VCV003235798.1), dbSNP rs2517996849, ClinGen allele CA514608533.